The following is an entry in ClinVar:

ClinVar aggregate classification (germline): Uncertain significance (1 of 4 stars; one submission).

Allele frequency attached by ClinVar (database versions not stated): gnomAD 0.00002; TOPMed 0.00004; ExAC 0.00006.

Submission:

Labcorp Genetics (formerly Invitae), Labcorp
Classification: Uncertain significance. Last evaluated: 2024-03-08. Review status: criteria provided, single submitter. Criteria: Invitae Variant Classification Sherloc (09022015). Collection method: clinical testing. Allele origin: germline.
Comment: This sequence change replaces methionine, which is neutral and non-polar, with valine, which is neutral and non-polar, at codon 143 of the NDUFB8 protein (p.Met143Val). This variant is present in population databases (rs765591575, gnomAD 0.02%). This variant has not been reported in the literature in individuals affected with NDUFB8-related conditions. ClinVar contains an entry for this variant (Variation ID: 2190087). An algorithm developed to predict the effect of missense changes on protein structure and function (PolyPhen-2) suggests that this variant is likely to be disruptive. In summary, the available evidence is currently insufficient to determine the role of this variant in disease. Therefore, it has been classified as a Variant of Uncertain Significance.

NM_005004.4(NDUFB8):c.427A>G (p.Met143Val)

Gene: NDUFB8 (NADH:ubiquinone oxidoreductase subunit B8; minus strand). Cytogenetic location: 10q24.31.
Variant type: single nucleotide variant.
Coding change: c.427A>G on transcript NM_005004.4 (MANE Select); coding-DNA position 427, A replaced by G.
Protein change: p.Met143Val; replaces methionine 143 with valine.
Molecular consequence: missense variant.
Genome position (GRCh38, 1-based): chr10:100,526,440, T>C on the plus strand (A>G on the coding strand, the complement: NDUFB8 is on the minus strand). VCF-style: chr10-100526440-T-C. GRCh37 (hg19) VCF-style: chr10-102286197-T-C.
Other names: c.427A>G, p.Met143Val (NM_001284367.2); c.334A>G, p.Met112Val (NM_001284368.1); short protein forms M143V, M112V.
Identifiers: ClinVar variation 2190087 (VCV002190087.4), dbSNP rs765591575, ClinGen allele CA5650151.